The following is an entry in ClinVar:

NM_153252.5(BRWD3):c.993G>A (p.Met331Ile)

Gene: BRWD3 (bromodomain and WD repeat domain containing 3; minus strand). Cytogenetic location: Xq21.1.
Variant type: single nucleotide variant.
Coding change: c.993G>A on transcript NM_153252.5 (MANE Select); coding-DNA position 993, G replaced by A.
Protein change: p.Met331Ile; replaces methionine 331 with isoleucine.
Molecular consequence: missense variant.
Genome position (GRCh38, 1-based): chrX:80,734,211, C>T on the plus strand (G>A on the coding strand, the complement: BRWD3 is on the minus strand). VCF-style: chrX-80734211-C-T. GRCh37 (hg19) VCF-style: chrX-79989710-C-T.
Other names: short protein forms M331I.
Identifiers: ClinVar variation 1704913 (VCV001704913.2), dbSNP rs2520396119, ClinGen allele CA413636276.

ClinVar aggregate classification (germline): Uncertain significance (1 of 4 stars; one submission).

Submission:

GeneDx
Classification: Uncertain significance. Last evaluated: 2022-03-10. Review status: criteria provided, single submitter. Criteria: GeneDx Variant Classification Process June 2021. Collection method: clinical testing. Allele origin: germline. Affected: yes.
Comment: Not observed at significant frequency in large population cohorts (gnomAD); In silico analysis supports that this missense variant has a deleterious effect on protein structure/function; Has not been previously published as pathogenic or benign to our knowledge